The following is an entry in ClinVar:

NM_025243.4(SLC19A3):c.795G>A (p.Trp265Ter)

Gene: SLC19A3 (solute carrier family 19 member 3; minus strand). Cytogenetic location: 2q36.3.
Variant type: single nucleotide variant.
Coding change: c.795G>A on transcript NM_025243.4 (MANE Select); coding-DNA position 795, G replaced by A.
Protein change: p.Trp265Ter; replaces tryptophan 265 with a stop codon.
Molecular consequence: nonsense.
Genome position (GRCh38, 1-based): chr2:227,698,920, C>T on the plus strand (G>A on the coding strand, the complement: SLC19A3 is on the minus strand). VCF-style: chr2-227698920-C-T. GRCh37 (hg19) VCF-style: chr2-228563636-C-T.
Other names: c.795G>A, p.Trp265Ter (NM_001371411.1, NM_001371412.1); c.783G>A, p.Trp261Ter (NM_001371413.1, NM_001371414.1); short protein forms W261*, W265*.
Identifiers: ClinVar variation 2700091 (VCV002700091.3), dbSNP rs2470572961, ClinGen allele CA350876462.

ClinVar aggregate classification (germline): Pathogenic (1 of 4 stars; one submission).

Conditions:
Biotin-responsive basal ganglia disease (BTBGD). Also called: Thiamine Transporter-2 Deficiency; THIAMINE METABOLISM DYSFUNCTION SYNDROME 2 (BIOTIN- AND THIAMINE-RESPONSIVE TYPE); Thiamine metabolism dysfunction syndrome type 2; Thiamine metabolism dysfunction syndrome 2 (biotin- or thiamine-responsive encephalopathy type 2); thiamine-responsive encephalopathy. Identifiers: Orphanet 199348, Orphanet 65284, MedGen C1843807, MONDO:0011841, OMIM 607483.

Allele frequency attached by ClinVar (database versions not stated): gnomAD exomes below 0.00001.
gnomAD v4.1: 1 of 1,614,050 alleles (0.000062%); highest among the groups gnomAD compares: Non-Finnish European, 0.000085%; no homozygotes.

Submission:

Labcorp Genetics (formerly Invitae), Labcorp
Classification: Pathogenic for Biotin-responsive basal ganglia disease. Last evaluated: 2023-12-01. Review status: criteria provided, single submitter. Criteria: Invitae Variant Classification Sherloc (09022015). Collection method: clinical testing. Allele origin: germline.
Comment: This sequence change creates a premature translational stop signal (p.Trp265*) in the SLC19A3 gene. It is expected to result in an absent or disrupted protein product. Loss-of-function variants in SLC19A3 are known to be pathogenic (PMID: 23423671, 23482991). This variant is not present in population databases (gnomAD no frequency). This variant has not been reported in the literature in individuals affected with SLC19A3-related conditions. For these reasons, this variant has been classified as Pathogenic.

Literature cited by the submitters: PubMed 23423671; PubMed 23482991.